The following is an entry in ClinVar:

NM_001252024.2(TRPM1):c.3089G>C (p.Trp1030Ser)

Genes: TRPM1 (transient receptor potential cation channel subfamily M member 1; minus strand), TRPM1-AS1 (TRPM1 antisense RNA 1; plus strand). Cytogenetic location: 15q13.3.
Variant type: single nucleotide variant.
Coding change: c.3089G>C on transcript NM_001252024.2 (MANE Select); coding-DNA position 3089, G replaced by C.
Protein change: p.Trp1030Ser; replaces tryptophan 1030 with serine.
Molecular consequence: missense variant.
Genome position (GRCh38, 1-based): chr15:31,031,021, C>G on the plus strand (G>C on the coding strand, the complement: TRPM1 is on the minus strand). VCF-style: chr15-31031021-C-G. GRCh37 (hg19) VCF-style: chr15-31323224-C-G.
Other names: c.3140G>C, p.Trp1047Ser (NM_001252020.2); c.3023G>C, p.Trp1008Ser (NM_002420.6); short protein forms W1008S, W1047S, W1030S.
Identifiers: ClinVar variation 866007 (VCV000866007.10), dbSNP rs752584934, ClinGen allele CA7451996.
Genomic context (GRCh38, chr15:31,031,021, plus strand): 5'-TTACTATGAATTCTACTCTTACGGTCTATCTGGTCTGCAAACACCTCTCCATAGATCATC[C>G]AGTAGGGCATGTAGAAGATGTTTCGGGCCAGTTTCCAAGAGGGCTTCTCCTCTGGATGCA-3'
Protein context (NP_001238953.1, residues 1020-1040): LARNIFYMPY[Trp1030Ser]MIYGEVFADQ

ClinVar aggregate classification (germline): Uncertain significance. Review status: criteria provided, multiple submitters, no conflicts (2 of 4 stars). 2 submissions from 2 submitters: Uncertain significance (2). Last evaluated 2025-03-18.

Allele frequency attached by ClinVar (database versions not stated): gnomAD exomes below 0.00001; ExAC 0.00001; gnomAD 0.00001; TOPMed 0.00002.
gnomAD v4.1: 11 of 1,614,026 alleles (0.00068%); highest among the groups gnomAD compares: Non-Finnish European, 0.00085%; no homozygotes.

Submissions (2):

Labcorp Genetics (formerly Invitae), Labcorp
Classification: Uncertain significance. Last evaluated: 2025-03-18. Review status: criteria provided, single submitter. Criteria: Invitae Variant Classification Sherloc (09022015). Collection method: clinical testing. Allele origin: germline.
Comment: This sequence change replaces tryptophan, which is neutral and slightly polar, with serine, which is neutral and polar, at codon 1008 of the TRPM1 protein (p.Trp1008Ser). This variant is present in population databases (rs752584934, gnomAD 0.002%). This variant has not been reported in the literature in individuals affected with TRPM1-related conditions. ClinVar contains an entry for this variant (Variation ID: 866007). Invitae Evidence Modeling of protein sequence and biophysical properties (such as structural, functional, and spatial information, amino acid conservation, physicochemical variation, residue mobility, and thermodynamic stability) indicates that this missense variant is expected to disrupt TRPM1 protein function with a positive predictive value of 80%. In summary, the available evidence is currently insufficient to determine the role of this variant in disease. Therefore, it has been classified as a Variant of Uncertain Significance.

Blueprint Genetics
Classification: Uncertain significance. Last evaluated: 2020-03-24. Review status: criteria provided, single submitter. Criteria: ACMG Guidelines, 2015. Collection method: clinical testing. Allele origin: germline.